The following is an entry in ClinVar:

NM_001197104.2(KMT2A):c.9836C>T (p.Thr3279Ile)

Gene: KMT2A (lysine methyltransferase 2A; plus strand). Cytogenetic location: 11q23.3.
Variant type: single nucleotide variant.
Coding change: c.9836C>T on transcript NM_001197104.2 (MANE Select); coding-DNA position 9836, C replaced by T.
Protein change: p.Thr3279Ile; replaces threonine 3279 with isoleucine.
Molecular consequence: missense variant.
Genome position (GRCh38, 1-based): chr11:118,505,728, C>T. VCF-style: chr11-118505728-C-T. GRCh37 (hg19) VCF-style: chr11-118376443-C-T.
Other names: c.9827C>T, p.Thr3276Ile (NM_005933.4); short protein forms T3276I, T3279I.
Identifiers: ClinVar variation 1405602 (VCV001405602.7), dbSNP rs376986915, ClinGen allele CA6304643.

ClinVar aggregate classification (germline): Uncertain significance (1 of 4 stars; one submission).

Allele frequency attached by ClinVar (database versions not stated): gnomAD exomes 0.00001; ExAC 0.00002; gnomAD 0.00002 and 0.00003; TOPMed 0.00002; ESP Exome Variant Server 0.00008.
gnomAD v4.1: 7 of 1,614,084 alleles (0.00043%); highest among the groups gnomAD compares: African/African-American, 0.0013%; no homozygotes.

Submission:

Labcorp Genetics (formerly Invitae), Labcorp
Classification: Uncertain significance. Last evaluated: 2023-11-27. Review status: criteria provided, single submitter. Criteria: Invitae Variant Classification Sherloc (09022015). Collection method: clinical testing. Allele origin: germline.
Comment: This sequence change replaces threonine, which is neutral and polar, with isoleucine, which is neutral and non-polar, at codon 3279 of the KMT2A protein (p.Thr3279Ile). This variant is present in population databases (rs376986915, gnomAD 0.004%). This variant has not been reported in the literature in individuals affected with KMT2A-related conditions. ClinVar contains an entry for this variant (Variation ID: 1405602). Advanced modeling of protein sequence and biophysical properties (such as structural, functional, and spatial information, amino acid conservation, physicochemical variation, residue mobility, and thermodynamic stability) performed at Invitae indicates that this missense variant is not expected to disrupt KMT2A protein function with a negative predictive value of 95%. In summary, the available evidence is currently insufficient to determine the role of this variant in disease. Therefore, it has been classified as a Variant of Uncertain Significance.